The following is an entry in ClinVar:

ClinVar aggregate classification (germline): Uncertain significance. Review status: criteria provided, multiple submitters, no conflicts (2 of 4 stars). 2 submissions from 2 submitters: Uncertain significance (2). Last evaluated 2025-08-09.

Conditions:
Intellectual disability, autosomal recessive 42 (NEDDSBA). Also called: GLYCOSYLPHOSPHATIDYLINOSITOL BIOSYNTHESIS DEFECT 9; Neurodevelopmental disorder with dysmorphic features, spasticity, and brain abnormalities. Identifiers: Orphanet 88616, MedGen C4014343, MONDO:0014348, OMIM 615802.

Allele frequency attached by ClinVar (database versions not stated): ExAC 0.00010; ESP Exome Variant Server 0.00031; TOPMed 0.00020; gnomAD 0.00024.
gnomAD v4.1: 70 of 1,614,034 alleles (0.0043%); highest among the groups gnomAD compares: African/African-American, 0.084%; no homozygotes.

Submissions (2):

GeneDx
Classification: Uncertain significance. Last evaluated: 2025-08-09. Review status: criteria provided, single submitter. Criteria: GeneDx Variant Classification Process June 2021. Collection method: clinical testing. Allele origin: germline. Affected: yes.
Comment: In silico analysis supports that this missense variant has a deleterious effect on protein structure/function; In silico analysis supports a deleterious effect on splicing; Has not been previously published as pathogenic or benign to our knowledge; This variant is associated with the following publications: (PMID: 24784135)

Labcorp Genetics (formerly Invitae), Labcorp
Classification: Uncertain significance for Intellectual disability, autosomal recessive 42. Last evaluated: 2022-05-25. Review status: criteria provided, single submitter. Criteria: Invitae Variant Classification Sherloc (09022015). Collection method: clinical testing. Allele origin: germline.
Comment: This sequence change replaces asparagine, which is neutral and polar, with serine, which is neutral and polar, at codon 35 of the PGAP1 protein (p.Asn35Ser). This variant is present in population databases (rs149238260, gnomAD 0.1%). This variant has not been reported in the literature in individuals affected with PGAP1-related conditions. Algorithms developed to predict the effect of missense changes on protein structure and function (SIFT, PolyPhen-2, Align-GVGD) all suggest that this variant is likely to be tolerated. Algorithms developed to predict the effect of sequence changes on RNA splicing suggest that this variant may create or strengthen a splice site. In summary, the available evidence is currently insufficient to determine the role of this variant in disease. Therefore, it has been classified as a Variant of Uncertain Significance.

NM_024989.4(PGAP1):c.104A>G (p.Asn35Ser)

Gene: PGAP1 (post-GPI attachment to proteins inositol deacylase 1; minus strand). Cytogenetic location: 2q33.1.
Variant type: single nucleotide variant.
Coding change: c.104A>G on transcript NM_024989.4 (MANE Select); coding-DNA position 104, A replaced by G.
Protein change: p.Asn35Ser; replaces asparagine 35 with serine.
Molecular consequence: missense variant. On other transcripts: 5 prime UTR variant (2).
Genome position (GRCh38, 1-based): chr2:196,926,513, T>C on the plus strand (A>G on the coding strand, the complement: PGAP1 is on the minus strand). VCF-style: chr2-196926513-T-C. GRCh37 (hg19) VCF-style: chr2-197791237-T-C.
Other names: c.104A>G (NM_024989.3); c.-503A>G (NM_001321099.2); c.-1008A>G (NM_001321100.2); short protein forms N35S.
Identifiers: ClinVar variation 2038122 (VCV002038122.2), dbSNP rs149238260, ClinGen allele CA2041299.
Genomic context (GRCh38, chr2:196,926,513, plus strand): 5'-AGAGGGCAGAACCTTACCTGATACTCCGGGTACTCAAACATGTAGCTCATACTGCACTTA[T>C]TCTCCTCGAAGCCGAAGAAGACATCCCACAGCCCCAGGGTTGCCAGAAAGACCATGAAGA-3'
Protein context (NP_079265.2, residues 25-45): LWDVFFGFEE[Asn35Ser]KCSMSYMFEY